The following is an entry in ClinVar:

ClinVar aggregate classification (germline): Uncertain significance (1 of 4 stars; one submission).

gnomAD v4.1: 3 of 1,557,092 alleles (0.00019%); highest among the groups gnomAD compares: Non-Finnish European, 0.00026%; no homozygotes.

Submission:

Ambry Genetics
Classification: Uncertain significance. Last evaluated: 2024-12-08. Review status: criteria provided, single submitter. Criteria: Ambry Variant Classification Scheme 2023. Collection method: clinical testing. Allele origin: germline.
Comment: The p.H578Y variant (also known as c.1732C>T), located in coding exon 7 of the WNK2 gene, results from a C to T substitution at nucleotide position 1732. The histidine at codon 578 is replaced by tyrosine, an amino acid with similar properties. This amino acid position is conserved. In addition, this alteration is predicted to be tolerated by in silico analysis. Based on the available evidence, the clinical significance of this variant remains unclear.

NM_006648.4(WNK2):c.1732C>T (p.His578Tyr)

Gene: WNK2 (WNK lysine deficient protein kinase 2; plus strand). Cytogenetic location: 9q22.31.
Variant type: single nucleotide variant.
Coding change: c.1732C>T on transcript NM_006648.4 (MANE Select); coding-DNA position 1732, C replaced by T.
Protein change: p.His578Tyr; replaces histidine 578 with tyrosine.
Molecular consequence: missense variant.
Genome position (GRCh38, 1-based): chr9:93,247,732, C>T. VCF-style: chr9-93247732-C-T. GRCh37 (hg19) VCF-style: chr9-96010014-C-T.
Other names: c.1732C>T, p.His578Tyr (NM_001282394.3); short protein forms H578Y.
Identifiers: ClinVar variation 3470658 (VCV003470658.1).